The following is an entry in ClinVar:

NM_182914.3(SYNE2):c.14801A>G (p.His4934Arg)

Gene: SYNE2 (spectrin repeat containing nuclear envelope protein 2; plus strand). Cytogenetic location: 14q23.2.
Variant type: single nucleotide variant.
Coding change: c.14801A>G on transcript NM_182914.3 (MANE Select); coding-DNA position 14801, A replaced by G.
Protein change: p.His4934Arg; replaces histidine 4934 with arginine.
Molecular consequence: missense variant.
Genome position (GRCh38, 1-based): chr14:64,137,941, A>G. VCF-style: chr14-64137941-A-G. GRCh37 (hg19) VCF-style: chr14-64604659-A-G.
Other names: c.14801A>G, p.His4934Arg (NM_015180.6); short protein forms H4934R.
Identifiers: ClinVar variation 805594 (VCV000805594.8), dbSNP rs758936935, ClinGen allele CA7222875.
Genomic context (GRCh38, chr14:64,137,941, plus strand): 5'-TAGAGGGCCAGATCGCAAAACTGGAAGAGCAGTGGTTGTCCCTGAACAAGAAAATTGACC[A>G]TGAGCTCCACAGGCTGCAAGCTCTTCTCAAGCATCTGCTCAGGTCAGCCTTTTTGGGGGT-3'
Protein context (NP_878918.2, residues 4924-4944): QWLSLNKKID[His4934Arg]ELHRLQALLK

ClinVar aggregate classification (germline): Uncertain significance. Review status: criteria provided, multiple submitters, no conflicts (2 of 4 stars). 4 submissions from 4 submitters: Uncertain significance (3). 1 of the submissions does not count toward it. Last evaluated 2025-12-02.

Conditions:
Emery-Dreifuss muscular dystrophy 5, autosomal dominant (EDMD5). Also called: EMERY-DREIFUSS MUSCULAR DYSTROPHY 5. Identifiers: Orphanet 261, MedGen C2751805, MONDO:0013072, OMIM 612999.

Allele frequency attached by ClinVar (database versions not stated): ExAC 0.00001; gnomAD 0.00001; gnomAD exomes 0.00002 and 0.00009; TOPMed 0.00002.
gnomAD v4.1: 128 of 1,614,016 alleles (0.0079%); highest among the groups gnomAD compares: Non-Finnish European, 0.011%; no homozygotes.

Submissions (4):

Ambry Genetics
Classification: Uncertain significance. Last evaluated: 2025-12-02. Review status: criteria provided, single submitter. Criteria: Ambry Variant Classification Scheme 2023. Collection method: clinical testing. Allele origin: germline.

Labcorp Genetics (formerly Invitae), Labcorp
Classification: Uncertain significance for Emery-Dreifuss muscular dystrophy 5, autosomal dominant. Last evaluated: 2022-11-11. Review status: criteria provided, single submitter. Criteria: Invitae Variant Classification Sherloc (09022015). Collection method: clinical testing. Allele origin: germline.
Comment: In summary, the available evidence is currently insufficient to determine the role of this variant in disease. Therefore, it has been classified as a Variant of Uncertain Significance. This sequence change replaces histidine, which is basic and polar, with arginine, which is basic and polar, at codon 4934 of the SYNE2 protein (p.His4934Arg). This variant is present in population databases (rs758936935, gnomAD 0.004%). This variant has not been reported in the literature in individuals affected with SYNE2-related conditions. ClinVar contains an entry for this variant (Variation ID: 805594). Algorithms developed to predict the effect of missense changes on protein structure and function (SIFT, PolyPhen-2, Align-GVGD) all suggest that this variant is likely to be tolerated.

Athena Diagnostics
Classification: Uncertain significance. Last evaluated: 2019-05-02. Review status: criteria provided, single submitter. Criteria: Athena Diagnostics Criteria. Collection method: clinical testing. Allele origin: germline.

Department of Pathology and Laboratory Medicine, Sinai Health System
Classification: Uncertain significance. Review status: no assertion criteria provided. Collection method: clinical testing. Allele origin: unknown. Affected: yes. Study: The Canadian Open Genetics Repository (COGR). Not counted in ClinVar's aggregate classification.
Comment: The SYNE2 p.His4934Arg variant was not identified in the literature nor was it identified in ClinVar, Cosmic or LOVD 3.0. The variant was identified in dbSNP (ID: rs758936935) and in 7 of 282620 chromosomes at a frequency of 0.000025 (Genome Aggregation Database Feb 27, 2017). The variant was observed in the following populations: Other in 1 of 7224 chromosomes (freq: 0.000138), European (non-Finnish) in 5 of 129024 chromosomes (freq: 0.000039) and Latino in 1 of 35412 chromosomes (freq: 0.000028), while the variant was not observed in the African, Ashkenazi Jewish, East Asian, European (Finnish) or South Asian populations. The variant occurs outside of the splicing consensus sequence and 3 of 4 in silico or computational prediction software programs (SpliceSiteFinder, NNSPLICE, GeneSplicer) do not predict a change in splicing. The p.His4934 residue is not conserved in mammals and computational analyses (PolyPhen-2, SIFT, AlignGVGD, BLOSUM, MutationTaster) do not suggest a high likelihood of impact to the protein; however, this information is not predictive enough to rule out pathogenicity. In summary, based on the above information the clinical significance of this variant cannot be determined with certainty at this time. This variant is classified as a variant of uncertain significance.